The following is an entry in ClinVar:

NM_002292.4(LAMB2):c.2521A>C (p.Ser841Arg)

Genes: LAMB2 (laminin subunit beta 2; minus strand), LOC129936738 (ATAC-STARR-seq lymphoblastoid active region 19855; plus strand). Cytogenetic location: 3p21.31.
Variant type: single nucleotide variant.
Coding change: c.2521A>C on transcript NM_002292.4 (MANE Select); coding-DNA position 2521, A replaced by C.
Protein change: p.Ser841Arg; replaces serine 841 with arginine.
Molecular consequence: missense variant.
Genome position (GRCh38, 1-based): chr3:49,125,452, T>G on the plus strand (A>C on the coding strand, the complement: LAMB2 is on the minus strand). VCF-style: chr3-49125452-T-G. GRCh37 (hg19) VCF-style: chr3-49162885-T-G.
Other names: short protein forms S841R.
Identifiers: ClinVar variation 855038 (VCV000855038.5), dbSNP rs950013669, ClinGen allele CA74481057.

ClinVar aggregate classification (germline): Uncertain significance. Review status: criteria provided, multiple submitters, no conflicts (2 of 4 stars). 2 submissions from 2 submitters: Uncertain significance (2). Last evaluated 2022-10-04.

Conditions:
LAMB2-related infantile-onset nephrotic syndrome. Also called: Nephrotic Syndrome, type 5; NEPHROTIC SYNDROME, TYPE 5, WITHOUT OCULAR ABNORMALITIES; NEPHROTIC SYNDROME, TYPE 5, WITH OCULAR ABNORMALITIES. Identifiers: Orphanet 306507, MedGen C3280113, MONDO:0013621, OMIM 614199.
Pierson syndrome. Also called: MICROCORIA-CONGENITAL NEPHROTIC SYNDROME. Identifiers: Orphanet 2670, MedGen C1836876, MONDO:0012184, OMIM 609049.

Allele frequency attached by ClinVar (database versions not stated): gnomAD exomes below 0.00001; gnomAD 0.00001; TOPMed 0.00002.

Submissions (2):

Labcorp Genetics (formerly Invitae), Labcorp
Classification: Uncertain significance for LAMB2-related infantile-onset nephrotic syndrome; Pierson syndrome. Last evaluated: 2022-10-04. Review status: criteria provided, single submitter. Criteria: Invitae Variant Classification Sherloc (09022015). Collection method: clinical testing. Allele origin: germline.
Comment: This sequence change replaces serine, which is neutral and polar, with arginine, which is basic and polar, at codon 841 of the LAMB2 protein (p.Ser841Arg). This variant is present in population databases (no rsID available, gnomAD 0.001%). This variant has not been reported in the literature in individuals affected with LAMB2-related conditions. ClinVar contains an entry for this variant (Variation ID: 855038). Algorithms developed to predict the effect of missense changes on protein structure and function (SIFT, PolyPhen-2, Align-GVGD) all suggest that this variant is likely to be tolerated. In summary, the available evidence is currently insufficient to determine the role of this variant in disease. Therefore, it has been classified as a Variant of Uncertain Significance.

Fulgent Genetics
Classification: Uncertain significance for Pierson syndrome; LAMB2-related infantile-onset nephrotic syndrome. Last evaluated: 2022-01-12. Review status: criteria provided, single submitter. Criteria: ACMG Guidelines, 2015. Collection method: clinical testing. Allele origin: unknown.